The following is an entry in ClinVar:

ClinVar aggregate classification (germline): Uncertain significance (1 of 4 stars; one submission).

Conditions:
Immunodeficiency 104. Also called: Severe combined immunodeficiency, autosomal recessive, T cell-negative, B cell-positive, NK cell-positive; Severe Combined Immune Deficiency, Autosomal Recessive, TCell -Negative, B Cell-Positive, NK Cell-Positive, IL7R-Related; SCID, AUTOSOMAL RECESSIVE, T CELL-NEGATIVE, B CELL-POSITIVE, NK CELL-POSITIVE; IMMUNODEFICIENCY 104, SEVERE COMBINED. Identifiers: MedGen C5676890, MONDO:0012163, OMIM 608971.

Allele frequency attached by ClinVar (database versions not stated): gnomAD 0.00001; TOPMed 0.00001; ExAC 0.00003; gnomAD exomes 0.00006.
gnomAD v4.1: 85 of 1,608,696 alleles (0.0053%); highest among the groups gnomAD compares: Non-Finnish European, 0.0071%; no homozygotes.

Submission:

Labcorp Genetics (formerly Invitae), Labcorp
Classification: Uncertain significance for Immunodeficiency 104. Last evaluated: 2022-06-08. Review status: criteria provided, single submitter. Criteria: Invitae Variant Classification Sherloc (09022015). Collection method: clinical testing. Allele origin: germline.
Comment: This sequence change affects codon 621 of the PTPRC mRNA. It is a 'silent' change, meaning that it does not change the encoded amino acid sequence of the PTPRC protein. It affects a nucleotide within the consensus splice site. This variant is present in population databases (rs765211528, gnomAD 0.003%). This variant has not been reported in the literature in individuals affected with PTPRC-related conditions. Algorithms developed to predict the effect of sequence changes on RNA splicing suggest that this variant is not likely to affect RNA splicing. In summary, the available evidence is currently insufficient to determine the role of this variant in disease. Therefore, it has been classified as a Variant of Uncertain Significance.

NM_002838.5(PTPRC):c.1863G>A (p.Arg621=)

Gene: PTPRC (protein tyrosine phosphatase receptor type C; plus strand). Cytogenetic location: 1q32.1.
Variant type: single nucleotide variant.
Coding change: c.1863G>A on transcript NM_002838.5 (MANE Select); coding-DNA position 1863, G replaced by A.
Protein change: p.Arg621=; no amino-acid change (arginine 621 retained).
Molecular consequence: synonymous variant.
Genome position (GRCh38, 1-based): chr1:198,729,170, G>A. VCF-style: chr1-198729170-G-A. GRCh37 (hg19) VCF-style: chr1-198698299-G-A.
Other names: c.1380G>A, p.Arg460= (NM_080921.4).
Identifiers: ClinVar variation 2199431 (VCV002199431.1), dbSNP rs765211528, ClinGen allele CA1314917.
Genomic context (GRCh38, chr1:198,729,170, plus strand): 5'-AGAAACTTATTTTTCCTATTTTCACAGCAATTTAGATGAACAGCAGGAGCTTGTTGAAAG[G>A]GGTAAGTATGTATATTTTTGCTGATGACTATTCCTTCCCCTGCATTTGAATCCATTCATT-3'
Protein context (NP_002829.3, residues 611-631): NLDEQQELVE[Arg621=]DDEKQLMNVE